The following is an entry in ClinVar:

NM_000478.6(ALPL):c.468C>T (p.Asp156=)

Gene: ALPL (alkaline phosphatase, biomineralization associated; plus strand). Cytogenetic location: 1p36.12.
Variant type: single nucleotide variant.
Coding change: c.468C>T on transcript NM_000478.6 (MANE Select); coding-DNA position 468, C replaced by T.
Protein change: p.Asp156=; no amino-acid change (aspartic acid 156 retained).
Molecular consequence: synonymous variant.
Genome position (GRCh38, 1-based): chr1:21,563,280, C>T. VCF-style: chr1-21563280-C-T. GRCh37 (hg19) VCF-style: chr1-21889773-C-T.
Other names: c.303C>T, p.Asp101= (NM_001127501.4); c.237C>T, p.Asp79= (NM_001177520.3); c.468C>T, p.Asp156= (NM_001369803.2, NM_001369804.2, NM_001369805.2).
Identifiers: ClinVar variation 735085 (VCV000735085.25), dbSNP rs143621566, ClinGen allele CA666488.

ClinVar aggregate classification (germline): Likely benign. Review status: criteria provided, multiple submitters, no conflicts (2 of 4 stars). 9 submissions from 9 submitters: Likely benign (8). 1 of the submissions does not count toward it. Last evaluated 2026-01-20.

Conditions:
Hypophosphatasia. Also called: Phosphoethanol-aminuria. Identifiers: Orphanet 436, MedGen C0020630, MeSH D007014, MONDO:0018570.
Childhood hypophosphatasia. Identifiers: Orphanet 247667, Orphanet 436, MedGen C0220743, MONDO:1010168, OMIM 241510, MONDO:0009428.
Infantile hypophosphatasia. Identifiers: Orphanet 247651, Orphanet 436, MedGen C0268412, MONDO:1010169, OMIM 241500, MONDO:0009427.
Adult hypophosphatasia. Identifiers: Orphanet 247676, Orphanet 436, MedGen C0268413, MONDO:1010154, OMIM 146300, MONDO:0007798.

Allele frequency attached by ClinVar (database versions not stated): gnomAD exomes 0.00006 and 0.00019; ExAC 0.00026; ESP Exome Variant Server 0.00038; TOPMed 0.00049; gnomAD 0.00050 and 0.00052; 1000 Genomes Project 30x 0.00062; 1000 Genomes Project 0.00080.
gnomAD v4.1: 158 of 1,607,632 alleles (0.0098%); highest among the groups gnomAD compares: African/African-American, 0.15%; no homozygotes.

Submissions (9):

Labcorp Genetics (formerly Invitae), Labcorp
Classification: Likely benign. Last evaluated: 2026-01-20. Review status: criteria provided, single submitter. Criteria: Invitae Variant Classification Sherloc (09022015). Collection method: clinical testing. Allele origin: germline.

Blueprint Genetics
Classification: Likely benign. Last evaluated: 2024-10-08. Review status: criteria provided, single submitter. Criteria: ACMG Guidelines, 2015. Collection method: clinical testing. Allele origin: germline.

Women's Health and Genetics/Laboratory Corporation of America, LabCorp
Classification: Likely benign. Last evaluated: 2024-05-07. Review status: criteria provided, single submitter. Criteria: LabCorp Variant Classification Summary - May 2015. Collection method: clinical testing. Allele origin: germline.

ARUP Laboratories, Molecular Genetics and Genomics, ARUP Laboratories
Classification: Likely benign. Last evaluated: 2023-05-04. Review status: criteria provided, single submitter. Criteria: ARUP Molecular Germline Variant Investigation Process 2024. Collection method: clinical testing. Allele origin: germline.

Fulgent Genetics
Classification: Likely benign for Adult hypophosphatasia; Infantile hypophosphatasia; Childhood hypophosphatasia. Last evaluated: 2021-10-04. Review status: criteria provided, single submitter. Criteria: ACMG Guidelines, 2015. Collection method: clinical testing. Allele origin: unknown.

GeneDx
Classification: Likely benign. Last evaluated: 2018-11-12. Review status: criteria provided, single submitter. Criteria: GeneDx Variant Classification Process June 2021. Collection method: clinical testing. Allele origin: germline. Affected: yes.

Genetic Services Laboratory, University of Chicago
Classification: Likely benign. Last evaluated: 2018-08-02. Review status: criteria provided, single submitter. Criteria: ACMG Guidelines, 2015. Collection method: clinical testing. Allele origin: germline. Affected: no.

Illumina Laboratory Services, Illumina
Classification: Likely benign for Hypophosphatasia. Last evaluated: 2018-01-13. Review status: criteria provided, single submitter. Criteria: ICSL Variant Classification Criteria 13 December 2019. Collection method: clinical testing. Allele origin: germline.
Comment: This variant was observed in the ICSL laboratory as part of a predisposition screen in an ostensibly healthy population. It had not been previously curated by ICSL or reported in the Human Gene Mutation Database (HGMD: prior to June 1st, 2018), and was therefore a candidate for classification through an automated scoring system. Utilizing variant allele frequency, disease prevalence and penetrance estimates, and inheritance mode, an automated score was calculated to assess if this variant is too frequent to cause the disease. Based on the score and internal cut-off values, a variant classified as likely benign is not then subjected to further curation. The score for this variant resulted in a classification of likely benign for this disease.

Natera, Inc.
Classification: Likely benign for Hypophosphatasia. Last evaluated: 2020-09-02. Review status: no assertion criteria provided. Collection method: clinical testing. Allele origin: germline. Not counted in ClinVar's aggregate classification.